The following is an entry in ClinVar:

NM_000274.4(OAT):c.899del (p.Pro300fs)

Gene: OAT (ornithine aminotransferase; minus strand). Cytogenetic location: 10q26.13.
Variant type: Deletion.
Coding change: c.899del on transcript NM_000274.4 (MANE Select); coding-DNA position 899, one base deleted (C; older notation c.899delC).
Protein change: p.Pro300fs; shifts the reading frame from proline 300.
Molecular consequence: frameshift variant.
Genome position (GRCh38, 1-based): chr10:124,402,928, G deleted on the plus strand (C on the coding strand, the reverse complement: OAT is on the minus strand); the first of 3 consecutive G bases (chr10:124,402,928-124,402,930); deleting any one gives the same sequence. VCF-style (leftmost placement, unchanged base first): chr10-124402927-AG-A. GRCh37 (hg19) VCF-style: chr10-126091496-AG-A.
Other names: c.485del, p.Pro162fs (NM_001171814.2); c.899del, p.Pro300fs (NM_001322965.2, NM_001322966.2, NM_001322967.2 and 3 more transcripts); c.578del, p.Pro193fs (NM_001322971.2); c.299del, p.Pro100fs (NM_001322974.2); short protein forms P100fs, P162fs, P193fs, P300fs.
Identifiers: ClinVar variation 2677392 (VCV002677392.2), dbSNP rs2494457103, ClinGen allele CA2695201050.

ClinVar aggregate classification (germline): Pathogenic/Likely pathogenic. Review status: criteria provided, multiple submitters, no conflicts (2 of 4 stars). 2 submissions from 2 submitters: Pathogenic (1); Likely pathogenic (1). Last evaluated 2024-09-03.

Conditions:
Ornithine aminotransferase deficiency (GACR). Also called: HYPERORNITHINEMIA WITH GYRATE ATROPHY OF CHOROID AND RETINA; OAT DEFICIENCY; Ornithine ketoacid aminotransferase deficiency; Gyrate atrophy; Gyrate atrophy of choroid and retina; Girate atrophy of the retina. Identifiers: Orphanet 414, MedGen C0018425, MONDO:0009796, OMIM 258870.

Submissions (2):

Myriad Genetics, Inc.
Classification: Pathogenic for Ornithine aminotransferase deficiency. Last evaluated: 2024-09-03. Review status: criteria provided, single submitter. Criteria: Myriad Autosomal Dominant, Autosomal Recessive and X-Linked Classification Criteria (2023). Collection method: clinical testing. Allele origin: unknown.
Comment: NM_000274.3(OAT):c.899delC(P300Lfs*13) is expected to be pathogenic in the context of ornithine aminotransferase deficiency. This variant is predicted to lead to an abnormal or absent protein product due to the creation of a premature termination codon in OAT, a gene where loss-of-function variants are known to be pathogenic. Please note: this variant was assessed in the context of healthy population screening.

Baylor Genetics
Classification: Likely pathogenic for Ornithine aminotransferase deficiency. Last evaluated: 2023-04-29. Review status: criteria provided, single submitter. Criteria: ACMG Guidelines, 2015. Collection method: clinical testing. Allele origin: unknown.